The following is an entry in ClinVar:

NM_000235.4(LIPA):c.591T>G (p.Phe197Leu)

Gene: LIPA (lipase A, lysosomal acid type; minus strand). Cytogenetic location: 10q23.31.
Variant type: single nucleotide variant.
Coding change: c.591T>G on transcript NM_000235.4 (MANE Select); coding-DNA position 591, T replaced by G.
Protein change: p.Phe197Leu; replaces phenylalanine 197 with leucine.
Molecular consequence: missense variant.
Genome position (GRCh38, 1-based): chr10:89,225,176, A>C on the plus strand (T>G on the coding strand, the complement: LIPA is on the minus strand). VCF-style: chr10-89225176-A-C. GRCh37 (hg19) VCF-style: chr10-90984933-A-C.
Other names: c.591T>G, p.Phe197Leu (NM_001127605.3); c.243T>G, p.Phe81Leu (NM_001288979.2); short protein forms F197L, F81L.
Identifiers: ClinVar variation 3009262 (VCV003009262.3), dbSNP rs1410246102, ClinGen allele CA377517318.
Genomic context (GRCh38, chr10:89,225,176, plus strand): 5'-TCCTAATTTGGCCATAGGGCTAGTACAGAAGGCGACGGAAGCCACAGGACCCAGGGCAAA[A>C]AACATTTTAATCCTTTTAGCCAGCTCAGGGATCTGTGAAAATGCTATAAAACCTGTGAGA-3'
Protein context (NP_000226.2, residues 187-207): IPELAKRIKM[Phe197Leu]FALGPVASVA

ClinVar aggregate classification (germline): Uncertain significance (1 of 4 stars; one submission).

Conditions:
Wolman disease (WOLD). Also called: Acid cholesteryl ester hydrolase deficiency, Wolman type; Acid lipase disease; Wolman disease, CESD; Wolman disease with hypolipoproteinemia and acanthocytosis; LYSOSOMAL ACID LIPASE DEFICIENCY, ACUTE INFANTILE; LYSOSOMAL ACID LIPASE DEFICIENCY, COMPLETE. Identifiers: Orphanet 75233, MedGen C0043208, MONDO:0019148, OMIM 620151.

Allele frequency attached by ClinVar (database versions not stated): gnomAD exomes below 0.00001.
gnomAD v4.1: 4 of 1,614,188 alleles (0.00025%); highest among the groups gnomAD compares: East Asian, 0.0022%; no homozygotes.

Submission:

Labcorp Genetics (formerly Invitae), Labcorp
Classification: Uncertain significance for Wolman disease. Last evaluated: 2025-11-03. Review status: criteria provided, single submitter. Criteria: Invitae Variant Classification Sherloc (09022015). Collection method: clinical testing. Allele origin: germline.
Comment: This sequence change replaces phenylalanine, which is neutral and non-polar, with leucine, which is neutral and non-polar, at codon 197 of the LIPA protein (p.Phe197Leu). This variant is present in population databases (no rsID available, gnomAD 0.006%). This variant has not been reported in the literature in individuals affected with LIPA-related conditions. ClinVar contains an entry for this variant (Variation ID: 3009262). Invitae Evidence Modeling of protein sequence and biophysical properties (such as structural, functional, and spatial information, amino acid conservation, physicochemical variation, residue mobility, and thermodynamic stability) indicates that this missense variant is not expected to disrupt LIPA protein function with a negative predictive value of 95%. In summary, the available evidence is currently insufficient to determine the role of this variant in disease. Therefore, it has been classified as a Variant of Uncertain Significance.